The following is an entry in ClinVar:

NM_015295.3(SMCHD1):c.4592T>C (p.Ile1531Thr)

Gene: SMCHD1 (structural maintenance of chromosomes flexible hinge domain containing 1; plus strand). Cytogenetic location: 18p11.32.
Variant type: single nucleotide variant.
Coding change: c.4592T>C on transcript NM_015295.3 (MANE Select); coding-DNA position 4592, T replaced by C.
Protein change: p.Ile1531Thr; replaces isoleucine 1531 with threonine.
Molecular consequence: missense variant.
Genome position (GRCh38, 1-based): chr18:2,763,662, T>C. VCF-style: chr18-2763662-T-C. GRCh37 (hg19) VCF-style: chr18-2763660-T-C.
Other names: short protein forms I1531T.
Identifiers: ClinVar variation 2912236 (VCV002912236.3), dbSNP rs781623828, ClinGen allele CA8871529.
Genomic context (GRCh38, chr18:2,763,662, plus strand): 5'-AGTTTCTCTAATTGTTTTCCATTTTTTGTTTTAAGGATGACTACGACAACCATACTGGAA[T>C]TGATTTGGTTGGCACTATAATAGCCACCATTAAAGGCTCTAATGAGGAAGATACTGATAC-3'
Protein context (NP_056110.2, residues 1521-1541): ITDDYDNHTG[Ile1531Thr]DLVGTIIATI

ClinVar aggregate classification (germline): Uncertain significance (1 of 4 stars; one submission).

Conditions:
Facioscapulohumeral muscular dystrophy 2 (FSHD2). Also called: MUSCULAR DYSTROPHY, FACIOSCAPULOHUMERAL, TYPE 1B; FACIOSCAPULOHUMERAL MUSCULAR DYSTROPHY 2, DIGENIC; FSHD2, DIGENIC. Identifiers: Orphanet 269, MedGen C1834671, MONDO:0008031, OMIM 158901.

Allele frequency attached by ClinVar (database versions not stated): ExAC 0.00001; gnomAD exomes 0.00001.
gnomAD v4.1: 7 of 1,579,230 alleles (0.00044%); highest among the groups gnomAD compares: South Asian, 0.0012%; no homozygotes.

Submission:

Labcorp Genetics (formerly Invitae), Labcorp
Classification: Uncertain significance for Facioscapulohumeral muscular dystrophy 2. Last evaluated: 2023-08-06. Review status: criteria provided, single submitter. Criteria: Invitae Variant Classification Sherloc (09022015). Collection method: clinical testing. Allele origin: germline.
Comment: This sequence change replaces isoleucine, which is neutral and non-polar, with threonine, which is neutral and polar, at codon 1531 of the SMCHD1 protein (p.Ile1531Thr). This variant is present in population databases (rs781623828, gnomAD 0.004%). This variant has not been reported in the literature in individuals affected with SMCHD1-related conditions. Advanced modeling of protein sequence and biophysical properties (such as structural, functional, and spatial information, amino acid conservation, physicochemical variation, residue mobility, and thermodynamic stability) performed at Invitae indicates that this missense variant is not expected to disrupt SMCHD1 protein function. In summary, the available evidence is currently insufficient to determine the role of this variant in disease. Therefore, it has been classified as a Variant of Uncertain Significance.